The following is an entry in ClinVar:

NM_177438.3(DICER1):c.5491dup (p.Trp1831fs)

Gene: DICER1 (dicer 1, ribonuclease III; minus strand). Cytogenetic location: 14q32.13.
Variant type: Duplication.
Coding change: c.5491dup on transcript NM_177438.3 (MANE Select); coding-DNA position 5491, one base duplicated (T; older notation c.5491dupT).
Protein change: p.Trp1831fs; shifts the reading frame from tryptophan 1831.
Molecular consequence: frameshift variant. On other transcripts: non-coding transcript variant (6), intron variant (1).
Genome position (GRCh38, 1-based): chr14:95,091,239, A duplicated on the plus strand (T on the coding strand, the reverse complement: DICER1 is on the minus strand). VCF-style (leftmost placement, unchanged base first): chr14-95091238-C-CA. GRCh37 (hg19) VCF-style: chr14-95557575-C-CA.
Other names: NM_177438.3(DICER1):c.5491dup; p.Trp1831fs; c.5491dup, p.Trp1831fs (NM_001395680.1, NM_001395682.1, NM_001395683.1 and 7 more transcripts); c.5209dup, p.Trp1737fs (NM_001395686.1); c.5086dup, p.Trp1696fs (NM_001395687.1, NM_001395688.1, NM_001395689.1 and 1 more transcripts); c.5365-130dup (NM_001195573.1); c.4924dup, p.Trp1642fs (NM_001395691.1); c.3808dup, p.Trp1270fs (NM_001395697.1); and 1 more; short protein forms W1642fs, W1270fs, W1696fs, W1737fs, W1831fs.
Identifiers: ClinVar variation 3723841 (VCV003723841.3).

ClinVar aggregate classification (germline): Uncertain significance. Review status: reviewed by expert panel (3 of 4 stars). 3 submissions from 3 submitters: Uncertain significance (1). 2 of the submissions do not count toward it. Last evaluated 2026-02-24.

Conditions:
Hereditary cancer-predisposing syndrome. Also called: Neoplastic Syndromes, Hereditary; Hereditary Cancer Syndrome; Hereditary neoplastic syndrome; Tumor predisposition. Identifiers: Orphanet 140162, MedGen C0027672, MeSH D009386, MONDO:0015356.
DICER1-related tumor predisposition. Also called: DICER1 syndrome; DICER1-related pleuropulmonary blastoma cancer predisposition syndrome. Identifiers: Orphanet 284343, MedGen C3839822, MONDO:0100216.

Submissions (3):

ClinGen DICER1 and miRNA-Processing Gene Variant Curation Expert Panel, ClinGen
Classification: Uncertain significance for DICER1-related tumor predisposition. Last evaluated: 2026-02-24. Review status: reviewed by expert panel. Criteria: ClinGen DICER1 ACMG Specifications DICER1 V1.4.0. Collection method: curation. Allele origin: germline. Inheritance: Autosomal dominant inheritance.
Comment: The NM_177438.3:c.5491dup (p.Trp1831LeufsTer29) variant in DICER1 is a frameshift variant that may cause loss of function of the protein; however, it is predicted to escape nonsense-mediated decay (PVS1_Moderate). This variant received a total of 0.5 phenotype points in a single proband. (PS4 not met; Internal lab contributors). At least one patient with this variant was found to have a somatic second hit in a recognized DICER1 hotspot codon on tumor sequencing, which is highly specific for DICER1-related tumor predisposition (PP4, Internal lab contributors). This variant is absent from gnomAD v4.1.0 (PM2_Supporting). In summary, this variant meets the criteria to be classified as Uncertain Significance for DICER1-related tumor predisposition based on the ACMG/AMP criteria applied, as specified by the ClinGen DICER1 VCEP: PVS1_Moderate, PP4, PM2_Supporting. (Bayesian Points: 4; VCEP specifications version 1.4.0; 02/24/2026).

Ambry Genetics
Classification: Uncertain significance for Hereditary cancer-predisposing syndrome. Last evaluated: 2025-05-12. Review status: criteria provided, single submitter. Criteria: Ambry Variant Classification Scheme 2023. Collection method: clinical testing. Allele origin: germline. Not counted in ClinVar's aggregate classification.
Comment: The c.5491dupT variant, located in coding exon 24 of the DICER1 gene, results from a duplication of T at nucleotide position 5491, causing a translational frameshift with a predicted alternate stop codon (p.W1831Lfs*29). This alteration occurs at the 3' terminus of theDICER1 gene, is not expected to trigger nonsense-mediated mRNAdecay, and impacts the last 4.8% of the protein. The exact functional effect of this alteration is unknown. Based on the available evidence, the clinical significance of this variant remains unclear.

Labcorp Genetics (formerly Invitae), Labcorp
Classification: Uncertain significance for DICER1-related tumor predisposition. Last evaluated: 2025-01-23. Review status: criteria provided, single submitter. Criteria: Invitae Variant Classification Sherloc (09022015). Collection method: clinical testing. Allele origin: germline. Not counted in ClinVar's aggregate classification.
Comment: This sequence change creates a premature translational stop signal (p.Trp1831Leufs*29) in the DICER1 gene. While this is not anticipated to result in nonsense mediated decay, it is expected to disrupt the last 92 amino acid(s) of the DICER1 protein. This variant is not present in population databases (gnomAD no frequency). This variant has not been reported in the literature in individuals affected with DICER1-related conditions. Experimental studies and prediction algorithms are not available or were not evaluated, and the functional significance of this variant is currently unknown. In summary, the available evidence is currently insufficient to determine the role of this variant in disease. Therefore, it has been classified as a Variant of Uncertain Significance.